The following is an entry in ClinVar:

ClinVar aggregate classification (germline): Likely benign. Review status: criteria provided, multiple submitters, no conflicts (2 of 4 stars). 2 submissions from 2 submitters: Likely benign (2). Last evaluated 2026-05-14.

Conditions:
SKIC3-related disorder. Also called: SKIC3-related condition.

gnomAD v4.1: 101 of 1,613,800 alleles (0.0063%); highest among the groups gnomAD compares: Non-Finnish European, 0.0079%; no homozygotes.

Submissions (2):

PreventionGenetics, part of Exact Sciences
Classification: Likely benign for SKIC3-related condition. Last evaluated: 2026-05-14. Review status: criteria provided, single submitter. Criteria: ACMG Guidelines, 2015. Collection method: clinical testing. Allele origin: germline.
Comment: This variant is classified as likely benign based on ACMG/AMP sequence variant interpretation guidelines (Richards et al. 2015 PMID: 25741868, with internal and published modifications).

Labcorp Genetics (formerly Invitae), Labcorp
Classification: Likely benign. Last evaluated: 2025-03-16. Review status: criteria provided, single submitter. Criteria: Invitae Variant Classification Sherloc (09022015). Collection method: clinical testing. Allele origin: germline.

NM_014639.4(SKIC3):c.2802G>T (p.Ala934=)

Gene: SKIC3 (SKI3 subunit of superkiller complex; minus strand). Cytogenetic location: 5q15.
Variant type: single nucleotide variant.
Coding change: c.2802G>T on transcript NM_014639.4 (MANE Select); coding-DNA position 2802, G replaced by T.
Protein change: p.Ala934=; no amino-acid change (alanine 934 retained).
Molecular consequence: synonymous variant.
Genome position (GRCh38, 1-based): chr5:95,512,595, C>A on the plus strand (G>T on the coding strand, the complement: SKIC3 is on the minus strand). VCF-style: chr5-95512595-C-A. GRCh37 (hg19) VCF-style: chr5-94848299-C-A.
Identifiers: ClinVar variation 2978980 (VCV002978980.4), dbSNP rs144906850, ClinGen allele CA3346943.